The following is an entry in ClinVar:

NM_000379.4(XDH):c.1274C>G (p.Ser425Cys)

Gene: XDH (xanthine dehydrogenase; minus strand). Cytogenetic location: 2p23.1.
Variant type: single nucleotide variant.
Coding change: c.1274C>G on transcript NM_000379.4 (MANE Select); coding-DNA position 1274, C replaced by G.
Protein change: p.Ser425Cys; replaces serine 425 with cysteine.
Molecular consequence: missense variant.
Genome position (GRCh38, 1-based): chr2:31,377,206, G>C on the plus strand (C>G on the coding strand, the complement: XDH is on the minus strand). VCF-style: chr2-31377206-G-C. GRCh37 (hg19) VCF-style: chr2-31600072-G-C.
Other names: short protein forms S425C.
Identifiers: ClinVar variation 335788 (VCV000335788.29), dbSNP rs138649664, ClinGen allele CA1599278.

ClinVar aggregate classification (germline): Conflicting classifications of pathogenicity. Review status: criteria provided, conflicting classifications (1 of 4 stars). 4 submissions from 4 submitters: Uncertain significance (1); Likely benign (3). Last evaluated 2026-02-01.

Conditions:
XDH-related disorder. Also called: XDH-related condition.
Hereditary xanthinuria type 1 (XAN1). Identifiers: Orphanet 3467, Orphanet 93601, MedGen C0268118, MONDO:0010209, OMIM 278300.
Xanthinuria type II. Also called: Xanthine dehydrogenase and aldehyde oxidase combined deficiency of; XDH and AOX dual deficiency. Identifiers: Orphanet 3467, Orphanet 93602, MedGen C1863688, MONDO:0011346, OMIM 603592.

Allele frequency attached by ClinVar (database versions not stated): 1000 Genomes Project 30x 0.00047; 1000 Genomes Project 0.00060; gnomAD 0.00109 and 0.00113; ExAC 0.00128; gnomAD exomes 0.00134 and 0.00208; TOPMed 0.00145; ESP Exome Variant Server 0.00169.
gnomAD v4.1: 3,204 of 1,614,100 alleles (0.2%); highest among the groups gnomAD compares: Non-Finnish European, 0.25%; 5 homozygotes.

Submissions (4):

CeGaT Center for Human Genetics Tuebingen
Classification: Likely benign. Last evaluated: 2026-02-01. Review status: criteria provided, single submitter. Criteria: CeGaT Center For Human Genetics Tuebingen Variant Classification Criteria Version 2. Collection method: clinical testing. Allele origin: germline. Affected: yes. Observed: 2 variant alleles.
Comment: XDH: BP4, BS2

Labcorp Genetics (formerly Invitae), Labcorp
Classification: Likely benign for Xanthinuria type II. Last evaluated: 2025-12-24. Review status: criteria provided, single submitter. Criteria: Invitae Variant Classification Sherloc (09022015). Collection method: clinical testing. Allele origin: germline.

PreventionGenetics, part of Exact Sciences
Classification: Likely benign for XDH-related condition. Last evaluated: 2025-01-08. Review status: criteria provided, single submitter. Criteria: ACMG Guidelines, 2015. Collection method: clinical testing. Allele origin: germline.
Comment: This variant is classified as likely benign based on ACMG/AMP sequence variant interpretation guidelines (Richards et al. 2015 PMID: 25741868, with internal and published modifications).

Illumina Laboratory Services, Illumina
Classification: Uncertain significance for Hereditary xanthinuria type 1. Last evaluated: 2018-01-13. Review status: criteria provided, single submitter. Criteria: ICSL Variant Classification Criteria 13 December 2019. Collection method: clinical testing. Allele origin: germline.